The following is an entry in ClinVar:

NM_014208.3(DSPP):c.3372T>C (p.Ser1124=)

Genes: DMP1-AS1 (DMP1 and DSPP antisense RNA 1; minus strand), DSPP (dentin sialophosphoprotein; plus strand). Cytogenetic location: 4q22.1.
Variant type: single nucleotide variant.
Coding change: c.3372T>C on transcript NM_014208.3 (MANE Select); coding-DNA position 3372, T replaced by C.
Protein change: p.Ser1124=; no amino-acid change (serine 1124 retained).
Molecular consequence: synonymous variant.
Genome position (GRCh38, 1-based): chr4:87,616,034, T>C. VCF-style: chr4-87616034-T-C. GRCh37 (hg19) VCF-style: chr4-88537186-T-C.
Identifiers: ClinVar variation 2654914 (VCV002654914.25), dbSNP rs772159491, ClinGen allele CA3001636.

ClinVar aggregate classification (germline): Likely benign. Review status: criteria provided, multiple submitters, no conflicts (2 of 4 stars). 2 submissions from 2 submitters: Likely benign (2). Last evaluated 2026-09-01.

Allele frequency attached by ClinVar (database versions not stated): gnomAD exomes 0.00001; ExAC 0.00015.

Submissions (2):

CeGaT Center for Human Genetics Tuebingen
Classification: Likely benign. Last evaluated: 2026-09-01. Review status: criteria provided, single submitter. Criteria: CeGaT Center For Human Genetics Tuebingen Variant Classification Criteria Version 2. Collection method: clinical testing. Allele origin: germline. Affected: yes. Observed: 13 variant alleles.
Comment: DSPP: BP4, BP7

Laboratory of Genetics, Children's Clinical University Hospital Latvia
Classification: Likely benign. Last evaluated: 2025-02-16. Review status: criteria provided, single submitter. Criteria: ACMG Guidelines, 2015. Collection method: clinical testing. Allele origin: germline. Affected: yes.